The following is an entry in ClinVar:

NM_001267550.2(TTN):c.66614G>A (p.Arg22205Lys)

Genes: TTN (titin; minus strand), TTN-AS1 (TTN antisense RNA 1; plus strand). Cytogenetic location: 2q31.2.
Variant type: single nucleotide variant.
Coding change: c.66614G>A on transcript NM_001267550.2 (MANE Select); coding-DNA position 66614, G replaced by A.
Protein change: p.Arg22205Lys; replaces arginine 22205 with lysine.
Molecular consequence: missense variant.
Genome position (GRCh38, 1-based): chr2:178,581,654, C>T on the plus strand (G>A on the coding strand, the complement: TTN is on the minus strand). VCF-style: chr2-178581654-C-T. GRCh37 (hg19) VCF-style: chr2-179446381-C-T.
Other names: p.R19637K:AGG>AAG; c.61691G>A, p.Arg20564Lys (NM_001256850.1); c.39419G>A, p.Arg13140Lys (NM_003319.4); c.58910G>A, p.Arg19637Lys (NM_133378.4); c.39794G>A, p.Arg13265Lys (NM_133432.3); c.39995G>A, p.Arg13332Lys (NM_133437.4); short protein forms R22205K, R19637K, R20564K, R13265K, R13140K, R13332K.
Identifiers: ClinVar variation 47236 (VCV000047236.57), dbSNP rs72646869, ClinGen allele CA283636.

ClinVar aggregate classification (germline): Benign/Likely benign. Review status: criteria provided, multiple submitters, no conflicts (2 of 4 stars). 29 submissions from 22 submitters: Benign (15); Likely benign (7). 7 of the submissions do not count toward it. Last evaluated 2026-02-04.

Conditions:
Dilated cardiomyopathy 1G (CMD1G). Identifiers: Orphanet 154, MedGen C1858763, MONDO:0011400, OMIM 604145.
Autosomal recessive limb-girdle muscular dystrophy type 2J (LGMDR10). Also called: MUSCULAR DYSTROPHY, LIMB-GIRDLE, AUTOSOMAL RECESSIVE 10; Limb-girdle muscular dystrophy, type 2J. Identifiers: Orphanet 140922, MedGen C1837342, MONDO:0012127, OMIM 608807.
Cardiovascular phenotype. Identifiers: MedGen CN230736.
Cardiomyopathy (CMYO). Also called: Cardiomyopathies. Identifiers: Orphanet 167848, MedGen C0878544, MONDO:0004994, HP:0001638. Inheritance: Various modes of inheritance.
Early-onset myopathy with fatal cardiomyopathy (CMYO5). Also called: CONGENITAL MYOPATHY 5 WITH CARDIOMYOPATHY; Salih Myopathy. Identifiers: Orphanet 289377, MedGen C2673677, MONDO:0012714, OMIM 611705. Disease mechanism: loss of function.
Myopathy, myofibrillar, 9, with early respiratory failure (MFM9). Also called: Myopathy, distal, with early respiratory failure, autosomal dominant; Hereditary myopathy with early respiratory failure; MYOPATHY, PROXIMAL, WITH EARLY RESPIRATORY MUSCLE INVOLVEMENT; EDSTROM MYOPATHY. Identifiers: Orphanet 178464, Orphanet 34521, MedGen C1863599, MONDO:0011362, OMIM 603689.
Tibial muscular dystrophy (TMD). Also called: Udd Distal Myopathy – Tibial Muscular Dystrophy; Tibial muscular dystrophy, tardive; UDD MYOPATHY. Identifiers: Orphanet 609, MedGen C1838244, MONDO:0010870, OMIM 600334.

Allele frequency attached by ClinVar (database versions not stated): 1000 Genomes Project 0.00579; TOPMed 0.01161; gnomAD 0.01305 and 0.01270; gnomAD exomes 0.01370 and 0.01857; ExAC 0.01495; ESP Exome Variant Server 0.01621; 1000 Genomes Project 30x 0.00547.
gnomAD v4.1: 28,804 of 1,612,710 alleles (1.8%); highest among the groups gnomAD compares: Non-Finnish European, 2.2%; 318 homozygotes.

Submissions (29):

Labcorp Genetics (formerly Invitae), Labcorp
Classification: Benign for Dilated cardiomyopathy 1G; Autosomal recessive limb-girdle muscular dystrophy type 2J. Last evaluated: 2026-02-04. Review status: criteria provided, single submitter. Criteria: Invitae Variant Classification Sherloc (09022015). Collection method: clinical testing. Allele origin: germline.

ARUP Laboratories, Molecular Genetics and Genomics, ARUP Laboratories
Classification: Benign. Last evaluated: 2025-07-08. Review status: criteria provided, single submitter. Criteria: ARUP Molecular Germline Variant Investigation Process 2024. Collection method: clinical testing. Allele origin: germline.

Molecular Diagnostic Laboratory for Inherited Cardiovascular Disease, Montreal Heart Institute
Classification: Likely benign. Last evaluated: 2025-04-09. Review status: criteria provided, single submitter. Criteria: ACMG Guidelines, 2015. Collection method: clinical testing. Allele origin: germline. Affected: no.

Blueprint Genetics
Classification: Likely benign. Last evaluated: 2024-11-26. Review status: criteria provided, single submitter. Criteria: ACMG Guidelines, 2015. Collection method: clinical testing. Allele origin: germline.

Women's Health and Genetics/Laboratory Corporation of America, LabCorp
Classification: Likely benign. Last evaluated: 2024-03-17. Review status: criteria provided, single submitter. Criteria: LabCorp Variant Classification Summary - May 2015. Collection method: clinical testing. Allele origin: germline.

Athena Diagnostics
Classification: Benign. Last evaluated: 2023-10-20. Review status: criteria provided, single submitter. Criteria: Athena Diagnostics Criteria. Collection method: clinical testing. Allele origin: unknown.

Genome-Nilou Lab
Classification: Benign for Autosomal recessive limb-girdle muscular dystrophy type 2J. Last evaluated: 2021-09-10. Review status: criteria provided, single submitter. Criteria: ACMG Guidelines, 2015. Collection method: clinical testing. Allele origin: germline. Affected: no.

Genome-Nilou Lab
Classification: Benign for Myopathy, myofibrillar, 9, with early respiratory failure. Last evaluated: 2021-09-10. Review status: criteria provided, single submitter. Criteria: ACMG Guidelines, 2015. Collection method: clinical testing. Allele origin: germline. Affected: no.

Genome-Nilou Lab
Classification: Benign for Early-onset myopathy with fatal cardiomyopathy. Last evaluated: 2021-09-10. Review status: criteria provided, single submitter. Criteria: ACMG Guidelines, 2015. Collection method: clinical testing. Allele origin: germline. Affected: no.

Genome-Nilou Lab
Classification: Benign for Tibial muscular dystrophy. Last evaluated: 2021-09-10. Review status: criteria provided, single submitter. Criteria: ACMG Guidelines, 2015. Collection method: clinical testing. Allele origin: germline. Affected: no.

CHEO Genetics Diagnostic Laboratory, Children's Hospital of Eastern Ontario
Classification: Benign for Cardiomyopathy. Last evaluated: 2019-02-21. Review status: criteria provided, single submitter. Criteria: ACMG Guidelines, 2015. Collection method: clinical testing. Allele origin: germline.

Mayo Clinic Laboratories, Mayo Clinic
Classification: Benign. Last evaluated: 2018-06-22. Review status: criteria provided, single submitter. Criteria: ACMG Guidelines, 2015. Collection method: clinical testing. Allele origin: germline. Observed: 93 variant alleles.

Illumina Laboratory Services, Illumina
Classification: Benign for Tibial muscular dystrophy. Last evaluated: 2018-01-13. Review status: criteria provided, single submitter. Criteria: ICSL Variant Classification Criteria 13 December 2019. Collection method: clinical testing. Allele origin: germline.
Comment: This variant was observed in the ICSL laboratory as part of a predisposition screen in an ostensibly healthy population. It had not been previously curated by ICSL or reported in the Human Gene Mutation Database (HGMD: prior to June 1st, 2018), and was therefore a candidate for classification through an automated scoring system. Utilizing variant allele frequency, disease prevalence and penetrance estimates, and inheritance mode, an automated score was calculated to assess if this variant is too frequent to cause the disease. Based on the score and internal cut-off values, a variant classified as benign is not then subjected to further curation. The score for this variant resulted in a classification of benign for this disease.

Illumina Laboratory Services, Illumina
Classification: Benign for Myopathy, myofibrillar, 9, with early respiratory failure. Last evaluated: 2018-01-13. Review status: criteria provided, single submitter. Criteria: ICSL Variant Classification Criteria 13 December 2019. Collection method: clinical testing. Allele origin: germline.
Comment: the same text as in the submission from Illumina Laboratory Services, Illumina above.

Illumina Laboratory Services, Illumina
Classification: Likely benign for Dilated cardiomyopathy 1G. Last evaluated: 2018-01-13. Review status: criteria provided, single submitter. Criteria: ICSL Variant Classification Criteria 13 December 2019. Collection method: clinical testing. Allele origin: germline.
Comment: This variant was observed in the ICSL laboratory as part of a predisposition screen in an ostensibly healthy population. It had not been previously curated by ICSL or reported in the Human Gene Mutation Database (HGMD: prior to June 1st, 2018), and was therefore a candidate for classification through an automated scoring system. Utilizing variant allele frequency, disease prevalence and penetrance estimates, and inheritance mode, an automated score was calculated to assess if this variant is too frequent to cause the disease. Based on the score and internal cut-off values, a variant classified as likely benign is not then subjected to further curation. The score for this variant resulted in a classification of likely benign for this disease.

Illumina Laboratory Services, Illumina
Classification: Likely benign for Early-onset myopathy with fatal cardiomyopathy. Last evaluated: 2018-01-13. Review status: criteria provided, single submitter. Criteria: ICSL Variant Classification Criteria 13 December 2019. Collection method: clinical testing. Allele origin: germline.
Comment: the same text as in the submission from Illumina Laboratory Services, Illumina above.

Illumina Laboratory Services, Illumina
Classification: Likely benign for Autosomal recessive limb-girdle muscular dystrophy type 2J. Last evaluated: 2018-01-13. Review status: criteria provided, single submitter. Criteria: ICSL Variant Classification Criteria 13 December 2019. Collection method: clinical testing. Allele origin: germline.
Comment: the same text as in the submission from Illumina Laboratory Services, Illumina above.

Biesecker Lab/Clinical Genomics Section, National Institutes of Health
Classification: Benign. Last evaluated: 2013-06-24. Review status: criteria provided, single submitter. Criteria: Ng et al. (Circ Cardiovasc Genet. 2013). Collection method: research. Allele origin: unknown. Observed: 18 variant alleles. Study: ClinSeq.
Comment: The study set was not selected for affection status in relation to any cancer. Pathogenicity categories were based on literature curation. See Pubmed ID:23861362 for details.

Medical sequencing

Ambry Genetics
Classification: Benign for Cardiovascular phenotype. Last evaluated: 2013-01-16. Review status: criteria provided, single submitter. Criteria: Ambry Autosomal Dominant and X-Linked criteria (10/2015). Collection method: clinical testing. Allele origin: germline. Observed: 1 variant allele.

GeneDx
Classification: Benign. Last evaluated: 2012-09-18. Review status: criteria provided, single submitter. Criteria: GeneDx Variant Classification (06012015). Collection method: clinical testing. Allele origin: germline. Affected: yes.
Comment: This variant is considered likely benign or benign based on one or more of the following criteria: it is a conservative change, it occurs at a poorly conserved position in the protein, it is predicted to be benign by multiple in silico algorithms, and/or has population frequency not consistent with disease.

Laboratory for Molecular Medicine, Mass General Brigham Personalized Medicine
Classification: Benign. Last evaluated: 2012-05-01. Review status: criteria provided, single submitter. Criteria: LMM Criteria. Collection method: clinical testing. Allele origin: germline. Observed: 63 variant alleles.
Comment: Arg19637Lys in Exon 265 of TTN: This variant is not expected to have clinical si gnificance because it has been identified in 2.0% (134/6708) of European America n chromosomes from a broad population by the NHLBI Exome Sequencing Project (dbSNP rs72646869).

Breakthrough Genomics
Classification: Likely benign. Review status: criteria provided, single submitter. Criteria: ACMG Guidelines, 2015. Collection method: not provided. Allele origin: germline. Inheritance: Autosomal recessive inheritance. Affected: yes.

Clinical Genetics DNA and cytogenetics Diagnostics Lab, Erasmus MC, Erasmus Medical Center
Classification: Benign. Review status: no assertion criteria provided. Collection method: clinical testing. Allele origin: germline. Affected: yes. Study: VKGL Data-share Consensus. Not counted in ClinVar's aggregate classification.

Clinical Genetics, Academic Medical Center
Classification: Benign. Review status: no assertion criteria provided. Collection method: clinical testing. Allele origin: germline. Affected: yes. Study: VKGL Data-share Consensus. Not counted in ClinVar's aggregate classification.

Diagnostic Laboratory, Department of Genetics, University Medical Center Groningen
Classification: Likely benign. Review status: no assertion criteria provided. Collection method: clinical testing. Allele origin: germline. Affected: yes. Study: VKGL Data-share Consensus. Not counted in ClinVar's aggregate classification.

Genetic Services Laboratory, University of Chicago
Classification: Likely benign for AllHighlyPenetrant. Review status: no assertion criteria provided. Collection method: clinical testing. Allele origin: germline. Not counted in ClinVar's aggregate classification.
Comment: Likely benign based on allele frequency in 1000 Genomes Project or ESP global frequency and its presence in a patient with a rare or unrelated disease phenotype. NOT Sanger confirmed.

Genome Diagnostics Laboratory, University Medical Center Utrecht
Classification: Benign. Review status: no assertion criteria provided. Collection method: clinical testing. Allele origin: germline. Affected: yes. Study: VKGL Data-share Consensus. Not counted in ClinVar's aggregate classification.

Joint Genome Diagnostic Labs from Nijmegen and Maastricht, Radboudumc and MUMC+
Classification: Benign. Review status: no assertion criteria provided. Collection method: clinical testing. Allele origin: germline. Affected: yes. Study: VKGL Data-share Consensus. Not counted in ClinVar's aggregate classification.

Laboratory of Diagnostic Genome Analysis, Leiden University Medical Center (LUMC)
Classification: Likely benign. Review status: no assertion criteria provided. Collection method: clinical testing. Allele origin: germline. Affected: yes. Study: VKGL Data-share Consensus. Not counted in ClinVar's aggregate classification.

Literature cited by the submitters: PubMed 17344846 (cited by Athena Diagnostics).